The following is an entry in ClinVar:

ClinVar aggregate classification (germline): Uncertain significance. Review status: criteria provided, single submitter (1 of 4 stars). 2 submissions from 2 submitters: Uncertain significance (1). 1 of the submissions does not count toward it.

Conditions:
Maturity-onset diabetes of the young (MODY). Also called: Maturity onset diabetes mellitus in young. Identifiers: Orphanet 552, MedGen C0342276, MONDO:0018911, HP:0004904.
Diabetes mellitus, transient neonatal, 3 (TNDM3). Identifiers: Orphanet 99886, MedGen C1864623, MONDO:0012522, OMIM 610582. Disease mechanism: loss of function.
Hyperinsulinemic hypoglycemia, familial, 2. Also called: HYPERINSULINEMIC HYPOGLYCEMIA, PERSISTENT; HYPERINSULINISM, NEONATAL. Identifiers: Orphanet 276580, Orphanet 276603, MedGen C2931833, MONDO:0011153, OMIM 601820. Disease mechanism: loss of function.
Permanent neonatal diabetes mellitus 1. Also called: GCK-Related Permanent Neonatal Diabetes Mellitus. Identifiers: MedGen C5393570, MONDO:0100165, OMIM 606176.

Submissions (2):

Clinical Genomics, Uppaluri K&H Personalized Medicine Clinic
Classification: Uncertain significance for Maturity-onset diabetes of the young. Review status: criteria provided, single submitter. Criteria: K&H Uppaluri Personalized Medicine Clinic Variant Classification & Assertion Criteria. Collection method: research. Allele origin: somatic. Inheritance: Autosomal dominant inheritance.
Comment: Mutations in KCNJ11 gene can cause decreased production and secretion of insulin. This can lead to MODY which may be responsive to oral sulfonylureas. However, KCNJ11 gene-Neonatal Diabetes association was observed with insufficient evidence of rs1554901658 variant in MODY yet.

Counsyl
Classification: Uncertain significance for Hyperinsulinemic hypoglycemia, familial, 2; Permanent neonatal diabetes mellitus 1; Diabetes mellitus, transient neonatal, 3. Last evaluated: 2017-12-22. Review status: no assertion criteria provided. Collection method: clinical testing. Allele origin: unknown. Not counted in ClinVar's aggregate classification.

Literature cited by the submitters: PubMed 26448950 (cited by Clinical Genomics, Uppaluri K&H Personalized Medicine Clinic); PubMed 15580558 (cited by Clinical Genomics, Uppaluri K&H Personalized Medicine Clinic); PubMed 15718250 (cited by Clinical Genomics, Uppaluri K&H Personalized Medicine Clinic).

NM_000525.4(KCNJ11):c.841_843del (p.Leu281del)

Gene: KCNJ11 (potassium inwardly rectifying channel subfamily J member 11; minus strand). Cytogenetic location: 11p15.1.
Variant type: Deletion.
Coding change: c.841_843del on transcript NM_000525.4 (MANE Select); coding-DNA positions 841 to 843, 3 bases deleted (CTC; older notation c.841_843delCTC).
Protein change: p.Leu281del; deletes leucine 281.
Molecular consequence: inframe deletion.
Genome position (GRCh38, 1-based): chr11:17,387,249-17,387,251, GAG deleted on the plus strand (CTC on the coding strand, the reverse complement: KCNJ11 is on the minus strand); deleting any 3 consecutive bases within chr11:17,387,249-17,387,252 gives the same sequence; the c. name uses the placement nearest the transcript's 3' end. VCF-style (leftmost placement, unchanged base first): chr11-17387248-CGAG-C. GRCh37 (hg19) VCF-style: chr11-17408795-CGAG-C.
Other names: c.580_582del, p.Leu194del (NM_001166290.2, NM_001377296.1, NM_001377297.1); c.841_843delCTC (NM_000525.3); short protein forms L281del, L194del.
Identifiers: ClinVar variation 555827 (VCV000555827.3), dbSNP rs1554901658, ClinGen allele CA658822452.
Genomic context (GRCh38, chr11:17,387,248, plus strand): 5'-TGCGGGCCTGGGTGGTGATGCCCGTGGTTTCCACCACGCCTTCCAGGATGACGATGATCT[CGAG>C]GTCCTGGTGGTGGTGCAGGTCGCTGGGTGCCAGGTCGTAGAGTGGGCTGTTGGCATCAAT-3'